The following is an entry in ClinVar:

ClinVar aggregate classification (germline): Uncertain significance (1 of 4 stars; one submission).

Conditions:
Charcot-Marie-Tooth disease type 1C. Also called: HMSN IC; CHARCOT-MARIE-TOOTH DISEASE, DEMYELINATING, TYPE 1C; CMT, SLOW NERVE CONDUCTION TYPE C; CHARCOT-MARIE-TOOTH NEUROPATHY, TYPE 1C; NEUROPATHY, HEREDITARY MOTOR AND SENSORY, TYPE IC; Charcot-Marie-Tooth disease, type IC. Identifiers: Orphanet 101083, MedGen C0270913, MONDO:0010995, OMIM 601098.

Allele frequency attached by ClinVar (database versions not stated): gnomAD exomes 0.00003; gnomAD 0.00005.
gnomAD v4.1: 43 of 656,296 alleles (0.0066%); highest among the groups gnomAD compares: Non-Finnish European, 0.011%; no homozygotes.

Submission:

Labcorp Genetics (formerly Invitae), Labcorp
Classification: Uncertain significance for Charcot-Marie-Tooth disease type 1C. Last evaluated: 2020-10-07. Review status: criteria provided, single submitter. Criteria: Invitae Variant Classification Sherloc (09022015). Collection method: clinical testing. Allele origin: germline.
Comment: In summary, the available evidence is currently insufficient to determine the role of this variant in disease. Therefore, it has been classified as a Variant of Uncertain Significance. Experimental studies and prediction algorithms are not available or were not evaluated, and the functional significance of this variant is currently unknown. This variant has been observed in individual(s) with LITAF-related conditions (PMID: 15776429). This variant is also known as c.671T>C. The frequency data for this variant in the population databases is considered unreliable, as metrics indicate insufficient coverage at this position in the ExAC database. This variant occurs in a non-coding region of the LITAF gene. It does not change the encoded amino acid sequence of the LITAF protein.

Literature cited by the submitters: PubMed 15776429.

NM_001136472.2(LITAF):c.*185T>C

Gene: LITAF (lipopolysaccharide induced TNF factor; minus strand). Cytogenetic location: 16p13.13.
Variant type: single nucleotide variant.
Coding change: c.*185T>C on transcript NM_001136472.2 (MANE Select); 185 bases downstream of the stop codon, T replaced by C.
Molecular consequence: 3 prime UTR variant. On other transcripts: non-coding transcript variant (1).
Genome position (GRCh38, 1-based): chr16:11,549,452, A>G on the plus strand (T>C on the coding strand, the complement: LITAF is on the minus strand). VCF-style: chr16-11549452-A-G. GRCh37 (hg19) VCF-style: chr16-11643308-A-G.
Other names: c.*310T>C (NM_001136473.1); c.*185T>C (NM_004862.4).
Identifiers: ClinVar variation 1063503 (VCV001063503.9), dbSNP rs565356536, ClinGen allele CA278301803.